The following is an entry in ClinVar:

ClinVar aggregate classification (germline): Uncertain significance (1 of 4 stars; one submission).

gnomAD v4.1: 3 of 404,080 alleles (0.00074%); highest among the groups gnomAD compares: South Asian, 0.0053%; no homozygotes.

Submission:

Labcorp Genetics (formerly Invitae), Labcorp
Classification: Uncertain significance. Last evaluated: 2024-10-28. Review status: criteria provided, single submitter. Criteria: Invitae Variant Classification Sherloc (09022015). Collection method: clinical testing. Allele origin: germline.
Comment: This sequence change falls in intron 5 of the SAR1B gene. It does not directly change the encoded amino acid sequence of the SAR1B protein. It affects a nucleotide within the consensus splice site. This variant is present in population databases (rs756031758, gnomAD 0.01%). This variant has not been reported in the literature in individuals affected with SAR1B-related conditions. Variants that disrupt the consensus splice site are a relatively common cause of aberrant splicing (PMID: 17576681, 9536098). Algorithms developed to predict the effect of sequence changes on RNA splicing suggest that this variant is not likely to affect RNA splicing. In summary, the available evidence is currently insufficient to determine the role of this variant in disease. Therefore, it has been classified as a Variant of Uncertain Significance.

Literature cited by the submitters: PubMed 17576681; PubMed 9536098.

NM_016103.4(SAR1B):c.244+6A>G

Gene: SAR1B (secretion associated Ras related GTPase 1B; minus strand). Cytogenetic location: 5q31.1.
Variant type: single nucleotide variant.
Coding change: c.244+6A>G on transcript NM_016103.4 (MANE Select); 6 bases into the intron after coding-DNA position 244, A replaced by G.
Molecular consequence: intron variant.
Genome position (GRCh38, 1-based): chr5:134,612,685, T>C on the plus strand (A>G on the coding strand, the complement: SAR1B is on the minus strand). VCF-style: chr5-134612685-T-C. GRCh37 (hg19) VCF-style: chr5-133948375-T-C.
Other names: c.244+6A>G (NM_001033503.3).
Identifiers: ClinVar variation 3696065 (VCV003696065.2).